The following is an entry in ClinVar:

NM_001035.3(RYR2):c.11432A>C (p.Gln3811Pro)

Gene: RYR2 (ryanodine receptor 2; plus strand). Cytogenetic location: 1q43.
Variant type: single nucleotide variant.
Coding change: c.11432A>C on transcript NM_001035.3 (MANE Select); coding-DNA position 11432, A replaced by C.
Protein change: p.Gln3811Pro; replaces glutamine 3811 with proline.
Molecular consequence: missense variant.
Genome position (GRCh38, 1-based): chr1:237,760,984, A>C. VCF-style: chr1-237760984-A-C. GRCh37 (hg19) VCF-style: chr1-237924284-A-C.
Other names: c.11432A>C, p.Gln3811Pro (LRG_402t1); short protein forms Q3811P.
Identifiers: ClinVar variation 532352 (VCV000532352.10), dbSNP rs1553313890, ClinGen allele CA345429958.
Genomic context (GRCh38, chr1:237,760,984, plus strand): 5'-CTAAATGTTTTTTTTTCCCTTGTTATTATAGTGTCCTTGACCTAAATGCATTTGAGCGAC[A>C]AAACAAAGCTGAAGGTCTTGGGATGGTGACAGAGGAAGGATCAGGTATTAATGACTTACA-3'
Protein context (NP_001026.2, residues 3801-3821): SVLDLNAFER[Gln3811Pro]NKAEGLGMVT

ClinVar aggregate classification (germline): Uncertain significance (1 of 4 stars; one submission).

Conditions:
Catecholaminergic polymorphic ventricular tachycardia 1. Also called: VENTRICULAR TACHYCARDIA, CATECHOLAMINERGIC POLYMORPHIC, 1, WITH OR WITHOUT ATRIAL DYSFUNCTION AND/OR DILATED CARDIOMYOPATHY; RYR2-Related Catecholaminergic Polymorphic Ventricular Tachycardia; VENTRICULAR TACHYCARDIA, STRESS-INDUCED POLYMORPHIC 1. Identifiers: Orphanet 3286, MedGen C1631597, MONDO:0011484, OMIM 604772.

Submission:

Labcorp Genetics (formerly Invitae), Labcorp
Classification: Uncertain significance for Catecholaminergic polymorphic ventricular tachycardia 1. Last evaluated: 2017-10-03. Review status: criteria provided, single submitter. Criteria: Invitae Variant Classification Sherloc (09022015). Collection method: clinical testing. Allele origin: germline.
Comment: This variant occurs within one of the three regions of the RYR2 gene (N-terminal domain, central domain, or channel region) where other pathogenic variants have been reported to cluster (PMID: 19926015). In summary, the available evidence is currently insufficient to determine the role of this variant in disease. Therefore, it has been classified as a Variant of Uncertain Significance. Algorithms developed to predict the effect of missense changes on protein structure and function do not agree on the potential impact of this missense change (SIFT: "Deleterious"; PolyPhen-2: "Probably Damaging"; Align-GVGD: "Class C0"). This variant has not been reported in the literature in individuals with RYR2-related disease. This variant is not present in population databases (ExAC no frequency). This sequence change replaces glutamine with proline at codon 3811 of the RYR2 protein (p.Gln3811Pro). The glutamine residue is highly conserved and there is a moderate physicochemical difference between glutamine and proline.

Literature cited by the submitters: PubMed 19926015.